The following is an entry in ClinVar:

NM_000124.4(ERCC6):c.1953dup (p.Arg652fs)

Gene: ERCC6 (ERCC excision repair 6, chromatin remodeling factor; minus strand). Cytogenetic location: 10q11.23.
Variant type: Duplication.
Coding change: c.1953dup on transcript NM_000124.4 (MANE Select); coding-DNA position 1953, one base duplicated (T; older notation c.1953dupT).
Protein change: p.Arg652fs; shifts the reading frame from arginine 652.
Molecular consequence: frameshift variant.
Genome position (GRCh38, 1-based): chr10:49,483,385, A duplicated on the plus strand (T on the coding strand, the reverse complement: ERCC6 is on the minus strand); the first of 2 consecutive A bases (chr10:49,483,385-49,483,386); duplicating either gives the same sequence. VCF-style (leftmost placement, unchanged base first): chr10-49483384-G-GA. GRCh37 (hg19) VCF-style: chr10-50691430-G-GA.
Other names: c.1953dup, p.Arg652fs (NM_001346440.2); short protein forms R652fs.
Identifiers: ClinVar variation 2123050 (VCV002123050.4), dbSNP rs2496008937, ClinGen allele CA2580081560.

ClinVar aggregate classification (germline): Pathogenic (1 of 4 stars; one submission).

Submission:

Labcorp Genetics (formerly Invitae), Labcorp
Classification: Pathogenic. Last evaluated: 2023-06-29. Review status: criteria provided, single submitter. Criteria: Invitae Variant Classification Sherloc (09022015). Collection method: clinical testing. Allele origin: germline.
Comment: This sequence change creates a premature translational stop signal (p.Arg652Serfs*30) in the ERCC6 gene. It is expected to result in an absent or disrupted protein product. Loss-of-function variants in ERCC6 are known to be pathogenic (PMID: 18628313, 29572252). This variant is not present in population databases (gnomAD no frequency). This variant has not been reported in the literature in individuals affected with ERCC6-related conditions. ClinVar contains an entry for this variant (Variation ID: 2123050). Algorithms developed to predict the effect of sequence changes on RNA splicing suggest that this variant may create or strengthen a splice site. For these reasons, this variant has been classified as Pathogenic.

Literature cited by the submitters: PubMed 18628313; PubMed 29572252.